The following is an entry in ClinVar:

ClinVar aggregate classification (germline): Likely benign (1 of 4 stars; one submission).

Allele frequency attached by ClinVar (database versions not stated): gnomAD exomes below 0.00001 and 0.00001; TOPMed below 0.00001; ExAC 0.00001.
gnomAD v4.1: 18 of 1,613,866 alleles (0.0011%); highest among the groups gnomAD compares: Non-Finnish European, 0.0014%; no homozygotes.

Submission:

Laboratory for Molecular Medicine, Mass General Brigham Personalized Medicine
Classification: Likely benign. Last evaluated: 2019-05-21. Review status: criteria provided, single submitter. Criteria: LMM Criteria. Collection method: clinical testing. Allele origin: germline. Observed: 1 variant allele.
Comment: The p.Ala101Thr variant in TRIOBP is classified as likely benign due to a lack of conservation across species. 5 mammals (Marmoset, squirrel monkey, David's myotis, microbat, big brown bat) carry a threonine (Thr) at this position despite high nearby amino acid conservation. It has been identified in 1/112542 European chromosomes by gnomAD. ACMG/AMP Criteria applied: BP4_Strong.

NM_001039141.3(TRIOBP):c.301G>A (p.Ala101Thr)

Gene: TRIOBP (TRIO and F-actin binding protein; plus strand). Cytogenetic location: 22q13.1.
Variant type: single nucleotide variant.
Coding change: c.301G>A on transcript NM_001039141.3 (MANE Select); coding-DNA position 301, G replaced by A.
Protein change: p.Ala101Thr; replaces alanine 101 with threonine.
Molecular consequence: missense variant.
Genome position (GRCh38, 1-based): chr22:37,713,256, G>A. VCF-style: chr22-37713256-G-A. GRCh37 (hg19) VCF-style: chr22-38109263-G-A.
Other names: short protein forms A101T.
Identifiers: ClinVar variation 930054 (VCV000930054.4), dbSNP rs752612856, ClinGen allele CA10223308.